The following is an entry in ClinVar:

NM_001278431.2(C1QTNF5):c.503T>C (p.Leu168Pro)

Genes: C1QTNF5 (C1q and TNF related 5; minus strand), MFRP (membrane frizzled-related protein; minus strand). Cytogenetic location: 11q23.3.
Variant type: single nucleotide variant.
Coding change: c.503T>C on transcript NM_001278431.2 (MANE Select); coding-DNA position 503, T replaced by C.
Protein change: p.Leu168Pro; replaces leucine 168 with proline.
Molecular consequence: missense variant. On other transcripts: 3 prime UTR variant (1).
Genome position (GRCh38, 1-based): chr11:119,339,560, A>G on the plus strand (T>C on the coding strand, the complement: C1QTNF5 is on the minus strand). VCF-style: chr11-119339560-A-G. GRCh37 (hg19) VCF-style: chr11-119210270-A-G.
Other names: c.503T>C, p.Leu168Pro (NM_015645.5); c.*1399T>C (NM_031433.4); short protein forms L168P.
Identifiers: ClinVar variation 1996070 (VCV001996070.4), dbSNP rs2497071264, ClinGen allele CA382968804.

ClinVar aggregate classification (germline): Uncertain significance (1 of 4 stars; one submission).

Submission:

Labcorp Genetics (formerly Invitae), Labcorp
Classification: Uncertain significance. Last evaluated: 2022-05-18. Review status: criteria provided, single submitter. Criteria: Invitae Variant Classification Sherloc (09022015). Collection method: clinical testing. Allele origin: germline.
Comment: Algorithms developed to predict the effect of missense changes on protein structure and function (SIFT, PolyPhen-2, Align-GVGD) all suggest that this variant is likely to be disruptive. This variant has not been reported in the literature in individuals affected with C1QTNF5-related conditions. This variant is not present in population databases (gnomAD no frequency). This sequence change replaces leucine, which is neutral and non-polar, with proline, which is neutral and non-polar, at codon 168 of the C1QTNF5 protein (p.Leu168Pro). In summary, the available evidence is currently insufficient to determine the role of this variant in disease. Therefore, it has been classified as a Variant of Uncertain Significance.